The following is an entry in ClinVar:

ClinVar aggregate classification (germline): Uncertain significance (1 of 4 stars; one submission).

Allele frequency attached by ClinVar (database versions not stated): gnomAD exomes below 0.00001; gnomAD 0.00001.

Submission:

Labcorp Genetics (formerly Invitae), Labcorp
Classification: Uncertain significance. Last evaluated: 2022-07-25. Review status: criteria provided, single submitter. Criteria: Invitae Variant Classification Sherloc (09022015). Collection method: clinical testing. Allele origin: germline.
Comment: This variant is present in population databases (no rsID available, gnomAD 0.003%). In summary, the available evidence is currently insufficient to determine the role of this variant in disease. Therefore, it has been classified as a Variant of Uncertain Significance. Advanced modeling of protein sequence and biophysical properties (such as structural, functional, and spatial information, amino acid conservation, physicochemical variation, residue mobility, and thermodynamic stability) performed at Invitae indicates that this missense variant is expected to disrupt LRPPRC protein function. ClinVar contains an entry for this variant (Variation ID: 1377894). This variant has not been reported in the literature in individuals affected with LRPPRC-related conditions. This sequence change replaces leucine, which is neutral and non-polar, with proline, which is neutral and non-polar, at codon 923 of the LRPPRC protein (p.Leu923Pro).

NM_133259.4(LRPPRC):c.2768T>C (p.Leu923Pro)

Gene: LRPPRC (leucine rich pentatricopeptide repeat containing; minus strand). Cytogenetic location: 2p21.
Variant type: single nucleotide variant.
Coding change: c.2768T>C on transcript NM_133259.4 (MANE Select); coding-DNA position 2768, T replaced by C.
Protein change: p.Leu923Pro; replaces leucine 923 with proline.
Molecular consequence: missense variant.
Genome position (GRCh38, 1-based): chr2:43,925,930, A>G on the plus strand (T>C on the coding strand, the complement: LRPPRC is on the minus strand). VCF-style: chr2-43925930-A-G. GRCh37 (hg19) VCF-style: chr2-44153069-A-G.
Other names: short protein forms L923P.
Identifiers: ClinVar variation 1377894 (VCV001377894.6), dbSNP rs1441877243, ClinGen allele CA346670122.